The following is an entry in ClinVar:

ClinVar aggregate classification (germline): Uncertain significance (1 of 4 stars; one submission).

Conditions:
Neurodevelopmental disorder with progressive movement abnormalities. Identifiers: MedGen C5935606, MONDO:0968976, OMIM 620785.

gnomAD v4.1: 3 of 1,608,230 alleles (0.00019%); highest among the groups gnomAD compares: Admixed American, 0.005%; no homozygotes.

Submission:

3billion
Classification: Uncertain significance for Neurodevelopmental disorder with progressive movement abnormalities. Last evaluated: 2024-11-11. Review status: criteria provided, single submitter. Criteria: ACMG Guidelines, 2015. Collection method: clinical testing. Allele origin: germline. Affected: yes.
Comment: The variant is observed at an extremely low frequency in the gnomAD v4.1.0 dataset (total allele frequency: <0.001%). Predicted Consequence/Location: Missense variant In silico tools predict the variant to alter splicing and produce an abnormal transcript [SpliceAI: 0.79 (>=0.2, moderate evidence for spliceogenicity)]. Therefore, this variant is classified as VUS according to the recommendation of ACMG/AMP guideline.

NM_032360.4(ACBD6):c.223G>T (p.Val75Phe)

Gene: ACBD6 (acyl-CoA binding domain containing 6; minus strand). Cytogenetic location: 1q25.3.
Variant type: single nucleotide variant.
Coding change: c.223G>T on transcript NM_032360.4 (MANE Select); coding-DNA position 223, G replaced by T.
Protein change: p.Val75Phe; replaces valine 75 with phenylalanine.
Molecular consequence: missense variant.
Genome position (GRCh38, 1-based): chr1:180,495,525, C>A on the plus strand (G>T on the coding strand, the complement: ACBD6 is on the minus strand). VCF-style: chr1-180495525-C-A. GRCh37 (hg19) VCF-style: chr1-180464660-C-A.
Other names: short protein forms V75F.
Identifiers: ClinVar variation 4072256 (VCV004072256.1).